The following is an entry in ClinVar:

NM_004168.4(SDHA):c.1433-11T>C

Gene: SDHA (succinate dehydrogenase complex flavoprotein subunit A; plus strand). Cytogenetic location: 5p15.33.
Variant type: single nucleotide variant.
Coding change: c.1433-11T>C on transcript NM_004168.4 (MANE Select); 11 bases into the intron before coding-DNA position 1433, T replaced by C.
Molecular consequence: intron variant.
Genome position (GRCh38, 1-based): chr5:240,347, T>C. VCF-style: chr5-240347-T-C. GRCh37 (hg19) VCF-style: chr5-240462-T-C.
Other names: c.1433-11T>C (NM_001330758.2); c.1289-11T>C (NM_001294332.2).
Identifiers: ClinVar variation 2923479 (VCV002923479.4), dbSNP rs1194122879, ClinGen allele CA808998277.
Genomic context (GRCh38, chr5:240,347, plus strand): 5'-TGTCATTCTAAATCCATTTGGTTTTTTAAAACGGTTTTCAAAAGTTAAATTCTAGCTTTT[T>C]TTTGTTTTAGGAGATAAAGTCCCTCCAATTAAACCAAACGCTGGGGAAGAATCTGTCATG-3'

ClinVar aggregate classification (germline): Likely benign. Review status: criteria provided, multiple submitters, no conflicts (2 of 4 stars). 2 submissions from 2 submitters: Likely benign (2). Last evaluated 2026-01-05.

Conditions:
Mitochondrial complex II deficiency, nuclear type 1. Also called: SUCCINATE CoQ REDUCTASE DEFICIENCY. Identifiers: Orphanet 3208, MedGen C5700310, MONDO:0100294, OMIM 252011.
Pheochromocytoma/paraganglioma syndrome 5. Also called: Paragangliomas 5; SDHA-Related Hereditary Paraganglioma-Pheochromocytoma Syndrome. Identifiers: Orphanet 29072, MedGen C3279992, MONDO:0013602, OMIM 614165.

Allele frequency attached by ClinVar (database versions not stated): gnomAD 0.00001; TOPMed 0.00001.

Submissions (2):

Labcorp Genetics (formerly Invitae), Labcorp
Classification: Likely benign for Pheochromocytoma/paraganglioma syndrome 5; Mitochondrial complex II deficiency, nuclear type 1. Last evaluated: 2026-01-05. Review status: criteria provided, single submitter. Criteria: Invitae Variant Classification Sherloc (09022015). Collection method: clinical testing. Allele origin: germline.

Myriad Genetics, Inc.
Classification: Likely benign for Pheochromocytoma/paraganglioma syndrome 5. Last evaluated: 2025-03-10. Review status: criteria provided, single submitter. Criteria: Myriad Autosomal Dominant, Autosomal Recessive and X-Linked Classification Criteria (2023). Collection method: clinical testing. Allele origin: unknown.
Comment: This variant is considered likely benign. This variant is intronic and is not expected to impact mRNA splicing.